The following is an entry in ClinVar:

ClinVar aggregate classification (germline): Pathogenic (1 of 4 stars; one submission).

Conditions:
Mitochondrial complex I deficiency, nuclear type 9. Also called: Mitochondrial complex 1 deficiency, nuclear type 9. Identifiers: MedGen C4748767, MONDO:0032615, OMIM 618232.

Submission:

Myriad Genetics, Inc.
Classification: Pathogenic for Mitochondrial complex I deficiency, nuclear type 9. Last evaluated: 2026-05-07. Review status: criteria provided, single submitter. Criteria: Myriad Autosomal Dominant, Autosomal Recessive and X-Linked Classification Criteria (2023). Collection method: clinical testing. Allele origin: unknown.
Comment: NM_004553.4(NDUFS6):c.178C>T(Q60*) is a nonsense variant classified as pathogenic in the context of mitochondrial complex I deficiency, NDUFS6-related. Q60* has not been observed in cases with relevant disease. Relevant functional assessments of this variant are not available in the literature. Q60* has not been observed in referenced population frequency databases. In summary, NM_004553.4(NDUFS6):c.178C>T(Q60*) is a nonsense variant in a gene where loss of function is a known mechanism of disease and is predicted to disrupt protein function. Please note: this variant was assessed in the context of healthy population screening.

NM_004553.6(NDUFS6):c.178C>T (p.Gln60Ter)

Gene: NDUFS6 (NADH:ubiquinone oxidoreductase subunit S6; plus strand). Cytogenetic location: 5p15.33.
Variant type: single nucleotide variant.
Coding change: c.178C>T on transcript NM_004553.6 (MANE Select); coding-DNA position 178, C replaced by T.
Protein change: p.Gln60Ter; replaces glutamine 60 with a stop codon.
Molecular consequence: nonsense.
Genome position (GRCh38, 1-based): chr5:1,802,366, C>T. VCF-style: chr5-1802366-C-T. GRCh37 (hg19) VCF-style: chr5-1802480-C-T.
Other names: short protein forms Q60*.
Identifiers: ClinVar variation 5003641 (VCV005003641.1).